The following is an entry in ClinVar:

NM_000214.3(JAG1):c.3564C>T (p.Gly1188=)

Gene: JAG1 (jagged canonical Notch ligand 1; minus strand). Cytogenetic location: 20p12.2.
Variant type: single nucleotide variant.
Coding change: c.3564C>T on transcript NM_000214.3 (MANE Select); coding-DNA position 3564, C replaced by T.
Protein change: p.Gly1188=; no amino-acid change (glycine 1188 retained).
Molecular consequence: synonymous variant.
Genome position (GRCh38, 1-based): chr20:10,639,591, G>A on the plus strand (C>T on the coding strand, the complement: JAG1 is on the minus strand). VCF-style: chr20-10639591-G-A. GRCh37 (hg19) VCF-style: chr20-10620239-G-A.
Identifiers: ClinVar variation 2652204 (VCV002652204.24), dbSNP rs376816243, ClinGen allele CA9764185.

ClinVar aggregate classification (germline): Likely benign (1 of 4 stars; one submission).

Allele frequency attached by ClinVar (database versions not stated): gnomAD exomes below 0.00001; TOPMed below 0.00001; ExAC 0.00001; gnomAD 0.00001; ESP Exome Variant Server 0.00008.
gnomAD v4.1: 8 of 1,614,090 alleles (0.0005%); highest among the groups gnomAD compares: Non-Finnish European, 0.00068%; no homozygotes.

Submission:

CeGaT Center for Human Genetics Tuebingen
Classification: Likely benign. Last evaluated: 2022-11-01. Review status: criteria provided, single submitter. Criteria: CeGaT Center For Human Genetics Tuebingen Variant Classification Criteria Version 2. Collection method: clinical testing. Allele origin: germline. Affected: yes. Observed: 1 variant allele.
Comment: JAG1: BP4, BS2